The following is an entry in ClinVar:

NM_001271.4(CHD2):c.1154-2A>G

Gene: CHD2 (chromodomain helicase DNA binding protein 2; plus strand). Cytogenetic location: 15q26.1.
Variant type: single nucleotide variant.
Coding change: c.1154-2A>G on transcript NM_001271.4 (MANE Select); the canonical splice acceptor site of the intron before coding-DNA position 1154, A replaced by G.
Molecular consequence: splice acceptor variant.
Genome position (GRCh38, 1-based): chr15:92,945,819, A>G. VCF-style: chr15-92945819-A-G. GRCh37 (hg19) VCF-style: chr15-93489049-A-G.
Other names: c.1154-2A>G (NM_001042572.3).
Identifiers: ClinVar variation 4293971 (VCV004293971.1).

ClinVar aggregate classification (germline): Likely pathogenic (1 of 4 stars; one submission).

Conditions:
Developmental and epileptic encephalopathy 94 (DEE94). Also called: CHD2-Related Neurodevelopmental Disorders; Epileptic encephalopathy, childhood-onset. Identifiers: Orphanet 1942, Orphanet 2382, MedGen C3809278, MONDO:0014150, OMIM 615369.

Submission:

3billion
Classification: Likely pathogenic for Developmental and epileptic encephalopathy 94. Last evaluated: 2024-08-05. Review status: criteria provided, single submitter. Criteria: ACMG Guidelines, 2015. Collection method: clinical testing. Allele origin: germline. Affected: yes.
Comment: The variant is not observed in the gnomAD v4.0.0 dataset. Predicted Consequence/Location: Canonical splice site: predicted to alter splicing and result in a loss or disruption of normal protein function. Multiple pathogenic loss-of-function variants are reported downstream of the variant. In silico tools predict the variant to alter splicing and produce an abnormal transcript [SpliceAI: 0.98 (spliceogenicity >=0.2, non-spliceogenicity <0.1)]. Therefore, this variant is classified as Likely pathogenic according to the recommendation of ACMG/AMP guideline.